The following is an entry in ClinVar:

NM_001267550.2(TTN):c.3396C>A (p.Tyr1132Ter)

Gene: TTN (titin; minus strand). Cytogenetic location: 2q31.2.
Variant type: single nucleotide variant.
Coding change: c.3396C>A on transcript NM_001267550.2 (MANE Select); coding-DNA position 3396, C replaced by A.
Protein change: p.Tyr1132Ter; replaces tyrosine 1132 with a stop codon.
Molecular consequence: nonsense.
Genome position (GRCh38, 1-based): chr2:178,781,248, G>T on the plus strand (C>A on the coding strand, the complement: TTN is on the minus strand). VCF-style: chr2-178781248-G-T. GRCh37 (hg19) VCF-style: chr2-179645975-G-T.
Other names: c.3396C>A, p.Tyr1132Ter (NM_001256850.1, NM_133378.4, NM_133379.5); c.3258C>A, p.Tyr1086Ter (NM_003319.4, NM_133432.3, NM_133437.4); short protein forms Y1086*, Y1132*.
Identifiers: ClinVar variation 2947632 (VCV002947632.3), dbSNP rs1343243319, ClinGen allele CA349483831.

ClinVar aggregate classification (germline): Likely pathogenic (1 of 4 stars; one submission).

Conditions:
Dilated cardiomyopathy 1G (CMD1G). Identifiers: Orphanet 154, MedGen C1858763, MONDO:0011400, OMIM 604145.
Autosomal recessive limb-girdle muscular dystrophy type 2J (LGMDR10). Also called: Limb-girdle muscular dystrophy, type 2J; MUSCULAR DYSTROPHY, LIMB-GIRDLE, AUTOSOMAL RECESSIVE 10. Identifiers: Orphanet 140922, MedGen C1837342, MONDO:0012127, OMIM 608807.

Submission:

Labcorp Genetics (formerly Invitae), Labcorp
Classification: Likely pathogenic for Dilated cardiomyopathy 1G; Autosomal recessive limb-girdle muscular dystrophy type 2J. Last evaluated: 2025-12-25. Review status: criteria provided, single submitter. Criteria: Invitae Variant Classification Sherloc (09022015). Collection method: clinical testing. Allele origin: germline.
Comment: This sequence change creates a premature translational stop signal (p.Tyr1132*) in the TTN gene. While this is not anticipated to result in nonsense mediated decay, it is expected to create a truncated TTN protein. This variant is not present in population databases (gnomAD no frequency). This variant has not been reported in the literature in individuals affected with TTN-related conditions. ClinVar contains an entry for this variant (Variation ID: 2947632). Algorithms developed to predict the effect of sequence changes on RNA splicing suggest that this variant may disrupt the consensus splice site. This variant is located in the Z band of TTN (PMID: 25589632). Truncating variants in this region have been reported in individuals affected with autosomal recessive centronuclear myopathy (PMID: 33449170, internal data). Truncating variants in this region have also been identified in individuals affected with autosomal dominant dilated cardiomyopathy and/or cardio-related conditions (PMID: 27869827, 32964742, internal data). In summary, the currently available evidence indicates that the variant is pathogenic, but additional data are needed to prove that conclusively. Therefore, this variant has been classified as Likely Pathogenic.

Literature cited by the submitters: PubMed 25589632; PubMed 33449170; PubMed 27869827; PubMed 32964742.